The following is an entry in ClinVar:

ClinVar aggregate classification (germline): Uncertain significance. Review status: criteria provided, multiple submitters, no conflicts (2 of 4 stars). 4 submissions from 4 submitters: Uncertain significance (4). Last evaluated 2026-03-09.

Conditions:
DNAJB2-related disorder. Also called: DNAJB2-related condition.
Neuronopathy, distal hereditary motor, autosomal recessive 5. Also called: Spinal muscular atrophy, distal, autosomal recessive, 5; Young adult-onset distal hereditary motor neuropathy; NEUROPATHY, DISTAL HEREDITARY MOTOR, AUTOSOMAL RECESSIVE 5. Identifiers: Orphanet 314485, Orphanet 443950, MedGen C4749918, MONDO:0013947, OMIM 614881.

Allele frequency attached by ClinVar (database versions not stated): gnomAD exomes below 0.00001 and 0.00004; gnomAD 0.00002; TOPMed 0.00002.
gnomAD v4.1: 60 of 1,614,084 alleles (0.0037%); highest among the groups gnomAD compares: Non-Finnish European, 0.0046%; no homozygotes.

Submissions (4):

Women's Health and Genetics/Laboratory Corporation of America, LabCorp
Classification: Uncertain significance. Last evaluated: 2026-03-09. Review status: criteria provided, single submitter. Criteria: LabCorp Variant Classification Summary - May 2015. Collection method: clinical testing. Allele origin: germline.
Comment: Variant summary: DNAJB2 c.544C>T (p.Arg182Cys) results in a non-conservative amino acid change in the encoded protein sequence. Algorithms developed to predict the effect of missense changes on protein structure and function are either unavailable or do not agree on the potential impact of this missense change. The variant allele was found at a frequency of 4e-06 in 251370 control chromosomes. The available data on variant occurrences in the general population are insufficient to allow any conclusion about variant significance. To our knowledge, no occurrence of c.544C>T in individuals affected with DNAJB2-related conditions and no experimental evidence demonstrating its impact on protein function have been reported. ClinVar contains an entry for this variant (Variation ID: 391692). Based on the evidence outlined above, the variant was classified as uncertain significance.

PreventionGenetics, part of Exact Sciences
Classification: Uncertain significance for DNAJB2-related condition. Last evaluated: 2025-12-22. Review status: criteria provided, single submitter. Criteria: ACMG Guidelines, 2015. Collection method: clinical testing. Allele origin: germline.
Comment: The DNAJB2 c.544C>T variant is predicted to result in the amino acid substitution p.Arg182Cys. To our knowledge, this variant has not been reported in the literature. This variant is reported in 0.0015% of alleles in individuals of European (Non-Finnish) descent in gnomAD. At this time, the clinical significance of this variant is uncertain due to the absence of conclusive functional and genetic evidence.

Labcorp Genetics (formerly Invitae), Labcorp
Classification: Uncertain significance for Neuronopathy, distal hereditary motor, autosomal recessive 5. Last evaluated: 2021-04-18. Review status: criteria provided, single submitter. Criteria: Invitae Variant Classification Sherloc (09022015). Collection method: clinical testing. Allele origin: germline.
Comment: This sequence change replaces arginine with cysteine at codon 182 of the DNAJB2 protein (p.Arg182Cys). The arginine residue is moderately conserved and there is a large physicochemical difference between arginine and cysteine. In summary, the available evidence is currently insufficient to determine the role of this variant in disease. Therefore, it has been classified as a Variant of Uncertain Significance. Algorithms developed to predict the effect of missense changes on protein structure and function are either unavailable or do not agree on the potential impact of this missense change (SIFT: "Deleterious"; PolyPhen-2: "Possibly Damaging"; Align-GVGD: "Class C15"). This variant has not been reported in the literature in individuals with DNAJB2-related conditions. ClinVar contains an entry for this variant (Variation ID: 391692). This variant is not present in population databases (ExAC no frequency).

GeneDx
Classification: Uncertain significance. Last evaluated: 2016-12-15. Review status: criteria provided, single submitter. Criteria: GeneDx Variant Classification (06012015). Collection method: clinical testing. Allele origin: germline. Affected: yes.
Comment: A variant of uncertain significance has been identified in the DNAJB2 gene. The R182C variant has not been published as a pathogenic variant, nor has it been reported as a benign variant to our knowledge. The R182C variant is not observed in large population cohorts (Lek et al., 2016; 1000 Genomes Consortium et al., 2015; Exome Variant Server). The R182C variant is a non-conservative amino acid substitution, which is likely to impact secondary protein structure as these residues differ in polarity, charge, size and/or other properties. In silico analysis predicts this variant is probably damaging to the protein structure/function. However, this substitution occurs at a position where amino acids with similar properties to Arginine are tolerated across species. Therefore, based on the currently available information, it is unclear whether this variant is a pathogenic variant or a rare benign variant.

NM_006736.6(DNAJB2):c.544C>T (p.Arg182Cys)

Gene: DNAJB2 (DnaJ heat shock protein family (Hsp40) member B2; plus strand). Cytogenetic location: 2q35.
Variant type: single nucleotide variant.
Coding change: c.544C>T on transcript NM_006736.6 (MANE Select); coding-DNA position 544, C replaced by T.
Protein change: p.Arg182Cys; replaces arginine 182 with cysteine.
Molecular consequence: missense variant.
Genome position (GRCh38, 1-based): chr2:219,283,231, C>T. VCF-style: chr2-219283231-C-T. GRCh37 (hg19) VCF-style: chr2-220147953-C-T.
Other names: c.544C>T, p.Arg182Cys (NM_001039550.2); c.544C>T (NM_006736.5); short protein forms R182C.
Identifiers: ClinVar variation 391692 (VCV000391692.12), dbSNP rs1055176141, ClinGen allele CA16604389.
Genomic context (GRCh38, chr2:219,283,231, plus strand): 5'-GGTGCTTTTCGCTCTGTTTCTACATCTACCACCTTTGTCCAAGGACGCCGCATCACCACA[C>T]GCAGGTGAGAGCTCCTTCTGGGGCCATAGAGGGGTGAGAGGTCTGCTGGGGAGCTGTGTT-3'
Protein context (NP_006727.2, residues 172-192): TFVQGRRITT[Arg182Cys]RIMENGQERV